The following is an entry in ClinVar:

ClinVar aggregate classification (germline): Uncertain significance (1 of 4 stars; one submission).

Submission:

Labcorp Genetics (formerly Invitae), Labcorp
Classification: Uncertain significance. Last evaluated: 2022-11-07. Review status: criteria provided, single submitter. Criteria: Invitae Variant Classification Sherloc (09022015). Collection method: clinical testing. Allele origin: germline.
Comment: In summary, the available evidence is currently insufficient to determine the role of this variant in disease. Therefore, it has been classified as a Variant of Uncertain Significance. Experimental studies and prediction algorithms are not available or were not evaluated, and the functional significance of this variant is currently unknown. This variant has not been reported in the literature in individuals affected with ARID1B-related conditions. This variant is present in population databases (rs763238673, gnomAD 0.02%). This variant, c.153_155del, results in the deletion of 1 amino acid(s) of the ARID1B protein (p.Ser53del), but otherwise preserves the integrity of the reading frame.

NM_001374828.1(ARID1B):c.399CTC[1] (p.Ser136del)

Genes: ARID1B (AT-rich interaction domain 1B; plus strand), LOC115308161 (uncharacterized LOC115308161; minus strand). Cytogenetic location: 6q25.3.
Variant type: Microsatellite.
Coding change: c.399CTC[1] on transcript NM_001374828.1 (MANE Select); one copy of the 3-base unit CTC starting at c.399; the reference has two copies in a row; one copy, 3 bases deleted.
Protein change: p.Ser136del; deletes serine 136.
Molecular consequence: inframe deletion. On other transcripts: inframe indel (2).
Genome position (GRCh38, 1-based): chr6:156,778,082-156,778,084, CTC deleted; deleting any 3 consecutive bases within chr6:156,778,077-156,778,084 gives the same sequence; the position shown is the placement nearest the transcript's 3' end. VCF-style (leftmost placement, unchanged base first): chr6-156778076-TTCC-T. GRCh37 (hg19) VCF-style: chr6-157099210-TTCC-T.
Other names: c.150_152CTC[1], p.Ser53del (NM_001346813.1, NM_020732.3); c.399CTC[1], p.Ser136del (NM_001371656.1, NM_001374820.1, NM_017519.3); c.-25_-23CTC[1] (NM_175863.2); short protein forms S136del, S53del.
Identifiers: ClinVar variation 2716004 (VCV002716004.3), dbSNP rs763238673, ClinGen allele CA4066618.